The following is an entry in ClinVar:

NM_006012.4(CLPP):c.42A>C (p.Ser14=)

Gene: CLPP (caseinolytic mitochondrial matrix peptidase proteolytic subunit; plus strand). Cytogenetic location: 19p13.3.
Variant type: single nucleotide variant.
Coding change: c.42A>C on transcript NM_006012.4 (MANE Select); coding-DNA position 42, A replaced by C.
Protein change: p.Ser14=; no amino-acid change (serine 14 retained).
Molecular consequence: synonymous variant.
Genome position (GRCh38, 1-based): chr19:6,361,616, A>C. VCF-style: chr19-6361616-A-C. GRCh37 (hg19) VCF-style: chr19-6361627-A-C.
Identifiers: ClinVar variation 517329 (VCV000517329.11), dbSNP rs935069392, ClinGen allele CA304753482.
Genomic context (GRCh38, chr19:6,361,616, plus strand): 5'-GACCGGGGCGTGCGGAGGGATGTGGCCCGGAATATTGGTAGGGGGGGCCCGGGTGGCGTC[A>C]TGCAGGTACCCCGCGCTGGGGCCTCGCCTCGCCGCTCACTTTCCAGCGCAGCGGCCGCCG-3'
Protein context (NP_006003.1, residues 4-24): GILVGGARVA[Ser14=]CRYPALGPRL

ClinVar aggregate classification (germline): Likely benign. Review status: criteria provided, multiple submitters, no conflicts (2 of 4 stars). 2 submissions from 2 submitters: Likely benign (2). Last evaluated 2020-12-26.

Allele frequency attached by ClinVar (database versions not stated): gnomAD 0.00002 and 0.00003; gnomAD exomes 0.00002; TOPMed 0.00002.
gnomAD v4.1: 13 of 1,418,844 alleles (0.00092%); highest among the groups gnomAD compares: African/African-American, 0.02%; no homozygotes.

Submissions (2):

Labcorp Genetics (formerly Invitae), Labcorp
Classification: Likely benign. Last evaluated: 2020-12-26. Review status: criteria provided, single submitter. Criteria: Invitae Variant Classification Sherloc (09022015). Collection method: clinical testing. Allele origin: germline.

Laboratory for Molecular Medicine, Mass General Brigham Personalized Medicine
Classification: Likely benign. Last evaluated: 2017-04-20. Review status: criteria provided, single submitter. Criteria: LMM Criteria. Collection method: clinical testing. Allele origin: germline. Observed: 1 variant allele.
Comment: p.Ser14Ser in exon 1 of CLPP: This variant is not expected to have clinical sign ificance because it does not alter an amino acid residue and is not located with in the splice consensus sequence.